The following is an entry in ClinVar:

NM_002905.5(RDH5):c.832C>T (p.Arg278Ter)

Genes: BLOC1S1-RDH5 (BLOC1S1-RDH5 readthrough; plus strand), CD63 (CD63 molecule; minus strand), RDH5 (retinol dehydrogenase 5; plus strand). Cytogenetic location: 12q13.2.
Variant type: single nucleotide variant.
Coding change: c.832C>T on transcript NM_002905.5 (MANE Select); coding-DNA position 832, C replaced by T.
Protein change: p.Arg278Ter; replaces arginine 278 with a stop codon.
Molecular consequence: nonsense. On other transcripts: non-coding transcript variant (1), 3 prime UTR variant (2).
Genome position (GRCh38, 1-based): chr12:55,724,420, C>T. VCF-style: chr12-55724420-C-T. GRCh37 (hg19) VCF-style: chr12-56118204-C-T.
Other names: c.832C>T (NM_002905.3); c.832C>T, p.Arg278Ter (NM_001199771.3); c.*644G>A (NM_001413284.1); c.*659G>A (NM_001413285.1); short protein forms R278*.
Identifiers: ClinVar variation 3775434 (VCV003775434.14).

ClinVar aggregate classification (germline): Pathogenic/Likely pathogenic. Review status: criteria provided, multiple submitters, no conflicts (2 of 4 stars). 5 submissions from 5 submitters: Pathogenic (2); Likely pathogenic (3). Last evaluated 2026-07-27.

Conditions:
Pigmentary retinal dystrophy. Also called: Fundus albipunctatus. Identifiers: Orphanet 227796, Orphanet 52427, MedGen C0311338, MONDO:0007639, OMIM 136880, HP:0030642.
RDH5-related disorder. Also called: RDH5-related condition.

gnomAD v4.1: 24 of 1,614,070 alleles (0.0015%); highest among the groups gnomAD compares: East Asian, 0.011%; no homozygotes.

Submissions (5):

PreventionGenetics, part of Exact Sciences
Classification: Likely pathogenic for RDH5-related condition. Last evaluated: 2026-07-27. Review status: criteria provided, single submitter. Criteria: ACMG Guidelines, 2015. Collection method: clinical testing. Allele origin: germline.
Comment: The RDH5 c.832C>T variant is predicted to result in premature protein termination (p.Arg278*). This variant has been reported in the compound heterozygous state in individuals with fundus albipunctatus (Liu et al. 2015. PubMed ID: 25170858; Katagiri et al. 2020. PubMed ID: 32232344). This variant is present in 0.015% of alleles in individuals of East Asian descent in gnomAD. Nonsense variants in RDH5 are an established mechanism of disease. This variant is interpreted as likely pathogenic.

CeGaT Center for Human Genetics Tuebingen
Classification: Pathogenic. Last evaluated: 2025-03-01. Review status: criteria provided, single submitter. Criteria: CeGaT Center For Human Genetics Tuebingen Variant Classification Criteria Version 2. Collection method: clinical testing. Allele origin: germline. Affected: yes. Observed: 1 variant allele.
Comment: RDH5: PM3:Strong, PVS1:Strong, PM2

3billion
Classification: Likely pathogenic for Pigmentary retinal dystrophy. Last evaluated: 2023-10-24. Review status: criteria provided, single submitter. Criteria: ACMG Guidelines, 2015. Collection method: clinical testing. Allele origin: germline. Affected: yes.
Comment: The variant is observed at an extremely low frequency in the gnomAD v2.1.1 dataset (total allele frequency: 0.002%). Predicted Consequence/Location: Stop-gained (nonsense): predicted to result in a loss or disruption of normal protein function through protein truncation. Multiple pathogenic variants are reported in the predicted truncated region. The variant has been reported to be associated with RDH5-related disorder (PMID: 25170858). Therefore, this variant is classified as Likely pathogenic according to the recommendation of ACMG/AMP guideline.

Blueprint Genetics
Classification: Pathogenic for RDH5-related disorders. Last evaluated: 2021-09-15. Review status: criteria provided, single submitter. Criteria: ACMG Guidelines, 2015. Collection method: clinical testing. Allele origin: germline. Affected: yes. Observed: 1 variant allele.

Juno Genomics, Hangzhou Juno Genomics, Inc
Classification: Likely pathogenic for Pigmentary retinal dystrophy. Review status: criteria provided, single submitter. Criteria: ACMG Guidelines, 2015. Collection method: clinical testing. Allele origin: germline.
Comment: Absent from controls (or at extremely low frequency if recessive) in Genome Aggregation Database.;Null variant in a gene where loss of function (LOF) is a known mechanism of disease.;For recessive disorders, detected in trans with a pathogenic variant.

Literature cited by the submitters: PubMed 25170858 (cited by 3billion).